The following is an entry in ClinVar:

NM_001329943.3(KIAA0586):c.468C>G (p.Gly156=)

Gene: KIAA0586 (KIAA0586; plus strand). Cytogenetic location: 14q23.1.
Variant type: single nucleotide variant.
Coding change: c.468C>G on transcript NM_001329943.3 (MANE Select); coding-DNA position 468, C replaced by G.
Protein change: p.Gly156=; no amino-acid change (glycine 156 retained).
Molecular consequence: synonymous variant.
Genome position (GRCh38, 1-based): chr14:58,442,763, C>G. VCF-style: chr14-58442763-C-G. GRCh37 (hg19) VCF-style: chr14-58909481-C-G.
Other names: c.627C>G, p.Gly209= (NM_001244189.2); c.423C>G, p.Gly141= (NM_001244190.2); c.213C>G, p.Gly71= (NM_001244191.2, NM_001329945.2, NM_001364700.1 and 1 more transcripts); c.336C>G, p.Gly112= (NM_001244192.2); c.48C>G, p.Gly16= (NM_001244193.2); c.468C>G, p.Gly156= (NM_001329944.2, NM_001329946.2, NM_001329947.2 and 1 more transcripts).
Identifiers: ClinVar variation 2159500 (VCV002159500.26), dbSNP rs768826026, ClinGen allele CA7205407.

ClinVar aggregate classification (germline): Likely benign. Review status: criteria provided, multiple submitters, no conflicts (2 of 4 stars). 2 submissions from 2 submitters: Likely benign (2). Last evaluated 2025-08-18.

Conditions:
Joubert syndrome 23 (JBTS23). Identifiers: Orphanet 475, MedGen C4084822, MONDO:0014664, OMIM 616490.
Short-rib thoracic dysplasia 14 with polydactyly (SRTD14). Identifiers: Orphanet 397715, MedGen C4225286, MONDO:0014688, OMIM 616546.

Allele frequency attached by ClinVar (database versions not stated): gnomAD 0.00001; TOPMed 0.00001.
gnomAD v4.1: 14 of 1,597,310 alleles (0.00088%); highest among the groups gnomAD compares: Non-Finnish European, 0.0012%; no homozygotes.

Submissions (2):

Labcorp Genetics (formerly Invitae), Labcorp
Classification: Likely benign for Joubert syndrome 23; Short-rib thoracic dysplasia 14 with polydactyly. Last evaluated: 2025-08-18. Review status: criteria provided, single submitter. Criteria: Invitae Variant Classification Sherloc (09022015). Collection method: clinical testing. Allele origin: germline.

CeGaT Center for Human Genetics Tuebingen
Classification: Likely benign. Last evaluated: 2023-12-01. Review status: criteria provided, single submitter. Criteria: CeGaT Center For Human Genetics Tuebingen Variant Classification Criteria Version 2. Collection method: clinical testing. Allele origin: germline. Affected: yes. Observed: 1 variant allele.
Comment: KIAA0586: BP4, BP7